The following is an entry in ClinVar:

NM_004006.3(DMD):c.9881_9890del (p.Trp3294fs)

Gene: DMD (dystrophin; minus strand). Cytogenetic location: Xp21.2.
Variant type: Deletion.
Coding change: c.9881_9890del on transcript NM_004006.3 (MANE Select); coding-DNA positions 9881 to 9890, 10 bases deleted (GGCTGCCCGT; older notation c.9881_9890delGGCTGCCCGT).
Protein change: p.Trp3294fs; shifts the reading frame from tryptophan 3294.
Molecular consequence: frameshift variant.
Genome position (GRCh38, 1-based): chrX:31,182,822-31,182,831, ACGGGCAGCC deleted on the plus strand (GGCTGCCCGT on the coding strand, the reverse complement: DMD is on the minus strand); deleting any 10 consecutive bases within chrX:31,182,822-31,182,833 gives the same sequence; the c. name uses the placement nearest the transcript's 3' end. VCF-style (leftmost placement, unchanged base first): chrX-31182821-GACGGGCAGCC-G. GRCh37 (hg19) VCF-style: chrX-31200938-GACGGGCAGCC-G.
Other names: c.9857_9866del, p.Trp3286fs (NM_000109.4); c.9869_9878del, p.Trp3290fs (NM_004009.3); c.9512_9521del, p.Trp3171fs (NM_004010.3); c.5858_5867del, p.Trp1953fs (NM_004011.4); c.5849_5858del, p.Trp1950fs (NM_004012.4); c.2501_2510del, p.Trp834fs (NM_004013.3, NM_004020.4, NM_004021.3 and 2 more transcripts); c.1694_1703del, p.Trp565fs (NM_004014.3); c.677_686del, p.Trp226fs (NM_004015.3, NM_004016.3, NM_004017.3 and 2 more transcripts); and 1 more; short protein forms W1950fs, W226fs, W3286fs, W3290fs, W3294fs, W3171fs, W834fs, W565fs.
Identifiers: ClinVar variation 455948 (VCV000455948.2), dbSNP rs1556046080, ClinGen allele CA658658953.

ClinVar aggregate classification (germline): Pathogenic (1 of 4 stars; one submission).

Conditions:
Duchenne muscular dystrophy (DMD). Also called: MUSCULAR DYSTROPHY, PSEUDOHYPERTROPHIC PROGRESSIVE, DUCHENNE TYPE; Duchenne Muscular Dystrophy (DMD). Identifiers: Orphanet 98896, MedGen C0013264, MONDO:0010679, OMIM 310200.

Submission:

Labcorp Genetics (formerly Invitae), Labcorp
Classification: Pathogenic for Duchenne muscular dystrophy. Last evaluated: 2017-06-07. Review status: criteria provided, single submitter. Criteria: Invitae Variant Classification Sherloc (09022015). Collection method: clinical testing. Allele origin: germline.
Comment: This sequence change creates a premature translational stop signal (p.Trp3294Serfs*33) in the DMD gene. It is expected to result in an absent or disrupted protein product. This variant is not present in population databases (ExAC no frequency). This variant has not been reported in the literature in individuals with a DMD-related disease. Loss-of-function variants in DMD are known to be pathogenic (PMID: 16770791). For these reasons, this variant has been classified as Pathogenic.

Literature cited by the submitters: PubMed 16770791.